The following is an entry in ClinVar:

NM_014244.5(ADAMTS2):c.3394G>C (p.Val1132Leu)

Gene: ADAMTS2 (ADAM metallopeptidase with thrombospondin type 1 motif 2; minus strand). Cytogenetic location: 5q35.3.
Variant type: single nucleotide variant.
Coding change: c.3394G>C on transcript NM_014244.5 (MANE Select); coding-DNA position 3394, G replaced by C.
Protein change: p.Val1132Leu; replaces valine 1132 with leucine.
Molecular consequence: missense variant.
Genome position (GRCh38, 1-based): chr5:179,114,109, C>G on the plus strand (G>C on the coding strand, the complement: ADAMTS2 is on the minus strand). VCF-style: chr5-179114109-C-G. GRCh37 (hg19) VCF-style: chr5-178541110-C-G.
Other names: short protein forms V1132L.
Identifiers: ClinVar variation 3369564 (VCV003369564.1).
Genomic context (GRCh38, chr5:179,114,109, plus strand): 5'-TGGCATTGGTGCTGGAGGCATTGAGAGGGACCTCCAGGGGGGTGCTTGGTGATGGCCGCA[C>G]CTCCATGGCTACAGTGGGCACTGGGAGGGTAGGCATGAACACGTCAATGTCGTTGTGCTT-3'
Protein context (NP_055059.2, residues 1122-1142): TLPVPTVAME[Val1132Leu]RPSPSTPLEV

ClinVar aggregate classification (germline): Uncertain significance (1 of 4 stars; one submission).

gnomAD v4.1: 13 of 1,613,944 alleles (0.00081%); highest among the groups gnomAD compares: Admixed American, 0.02%; no homozygotes.

Submission:

GeneDx
Classification: Uncertain significance. Last evaluated: 2024-02-21. Review status: criteria provided, single submitter. Criteria: GeneDx Variant Classification Process June 2021. Collection method: clinical testing. Allele origin: germline. Affected: yes.
Comment: In silico analysis supports that this missense variant does not alter protein structure/function; Has not been previously published as pathogenic or benign to our knowledge